The following is an entry in ClinVar:

NM_032040.5(CCDC8):c.315C>A (p.Ser105Arg)

Gene: CCDC8 (coiled-coil domain containing 8 subunit of 3M complex; minus strand). Cytogenetic location: 19q13.32.
Variant type: single nucleotide variant.
Coding change: c.315C>A on transcript NM_032040.5 (MANE Select); coding-DNA position 315, C replaced by A.
Protein change: p.Ser105Arg; replaces serine 105 with arginine.
Molecular consequence: missense variant.
Genome position (GRCh38, 1-based): chr19:46,412,496, G>T on the plus strand (C>A on the coding strand, the complement: CCDC8 is on the minus strand). VCF-style: chr19-46412496-G-T. GRCh37 (hg19) VCF-style: chr19-46915753-G-T.
Other names: short protein forms S105R.
Identifiers: ClinVar variation 1447508 (VCV001447508.8), dbSNP rs1973246576, ClinGen allele CA406463561.

ClinVar aggregate classification (germline): Uncertain significance (1 of 4 stars; one submission).

Allele frequency attached by ClinVar (database versions not stated): TOPMed below 0.00001.

Submission:

Labcorp Genetics (formerly Invitae), Labcorp
Classification: Uncertain significance. Last evaluated: 2022-07-06. Review status: criteria provided, single submitter. Criteria: Invitae Variant Classification Sherloc (09022015). Collection method: clinical testing. Allele origin: germline.
Comment: In summary, the available evidence is currently insufficient to determine the role of this variant in disease. Therefore, it has been classified as a Variant of Uncertain Significance. Algorithms developed to predict the effect of missense changes on protein structure and function (SIFT, PolyPhen-2, Align-GVGD) all suggest that this variant is likely to be disruptive. ClinVar contains an entry for this variant (Variation ID: 1447508). This variant has not been reported in the literature in individuals affected with CCDC8-related conditions. This variant is not present in population databases (gnomAD no frequency). This sequence change replaces serine, which is neutral and polar, with arginine, which is basic and polar, at codon 105 of the CCDC8 protein (p.Ser105Arg).